The following is an entry in ClinVar:

NM_002485.5(NBN):c.1914+18_1914+21del

Genes: NBN (nibrin; minus strand), LOC126860438 (MED14-independent group 3 enhancer GRCh37_chr8:90959982-90961181; plus strand). Cytogenetic location: 8q21.3.
Variant type: Deletion.
Coding change: c.1914+18_1914+21del on transcript NM_002485.5 (MANE Select); bases 18 to 21 of the intron after coding-DNA position 1914, 4 bases deleted (AATT; older notation c.1914+18_1914+21delAATT).
Molecular consequence: intron variant.
Genome position (GRCh38, 1-based): chr8:89,947,803-89,947,806, AATT deleted on the plus strand (AATT on the coding strand, the reverse complement: NBN is on the minus strand); deleting any 4 consecutive bases within chr8:89,947,803-89,947,809 gives the same sequence; the c. name uses the placement nearest the transcript's 3' end. VCF-style (leftmost placement, unchanged base first): chr8-89947802-AAATT-A. GRCh37 (hg19) VCF-style: chr8-90960030-AAATT-A.
Other names: c.1914+18_1914+21delAATT (NM_002485.4); c.1668+18_1668+21del (NM_001024688.3).
Identifiers: ClinVar variation 422452 (VCV000422452.11), dbSNP rs773894616, ClinGen allele CA4802658.

ClinVar aggregate classification (germline): Likely benign. Review status: criteria provided, multiple submitters, no conflicts (2 of 4 stars). 3 submissions from 3 submitters: Likely benign (3). Last evaluated 2024-01-27.

Conditions:
Microcephaly, normal intelligence and immunodeficiency (NBS). Also called: BERLIN BREAKAGE SYNDROME; SEEMANOVA SYNDROME II; Immunodeficiency, microcephaly with normal intelligence; Nijmegen breakage syndrome; Microcephaly with normal intelligence immunodeficiency and lymphoreticular malignancies; Nonsyndromal microcephaly autosomal recessive with normal intelligence. Identifiers: Orphanet 647, MedGen C0398791, MONDO:0009623, OMIM 251260.
Hereditary cancer-predisposing syndrome. Also called: Hereditary neoplastic syndrome; Hereditary Cancer Syndrome; Neoplastic Syndromes, Hereditary; Tumor predisposition. Identifiers: Orphanet 140162, MedGen C0027672, MeSH D009386, MONDO:0015356.

Submissions (3):

Labcorp Genetics (formerly Invitae), Labcorp
Classification: Likely benign for Microcephaly, normal intelligence and immunodeficiency. Last evaluated: 2024-01-27. Review status: criteria provided, single submitter. Criteria: Invitae Variant Classification Sherloc (09022015). Collection method: clinical testing. Allele origin: germline.

GeneDx
Classification: Likely benign. Last evaluated: 2018-01-23. Review status: criteria provided, single submitter. Criteria: GeneDx Variant Classification (06012015). Collection method: clinical testing. Allele origin: germline. Affected: yes.
Comment: This variant is considered likely benign or benign based on one or more of the following criteria: it is a conservative change, it occurs at a poorly conserved position in the protein, it is predicted to be benign by multiple in silico algorithms, and/or has population frequency not consistent with disease.

Color Diagnostics, LLC DBA Color Health
Classification: Likely benign for Hereditary cancer-predisposing syndrome. Last evaluated: 2015-08-04. Review status: criteria provided, single submitter. Criteria: ACMG Guidelines, 2015. Collection method: clinical testing. Allele origin: germline.